The following is an entry in ClinVar:

ClinVar aggregate classification (germline): Benign/Likely benign. Review status: criteria provided, multiple submitters, no conflicts (2 of 4 stars). 6 submissions from 6 submitters: Benign (3); Likely benign (2). 1 of the submissions does not count toward it. Last evaluated 2024-11-18.

Conditions:
Inborn genetic diseases. Identifiers: MedGen C0950123, MeSH D030342.
ASXL3-related disorder. Also called: ASXL3-related condition. Identifiers: MedGen CN381524.

Allele frequency attached by ClinVar (database versions not stated): gnomAD 0.00051 and 0.00056; ESP Exome Variant Server 0.00058; gnomAD exomes 0.00060 and 0.00091; TOPMed 0.00071; ExAC 0.00091; 1000 Genomes Project 0.00100; 1000 Genomes Project 30x 0.00109.
gnomAD v4.1: 985 of 1,613,992 alleles (0.061%); highest among the groups gnomAD compares: Middle Eastern, 0.76%; 5 homozygotes.

Submissions (6):

Blueprint Genetics
Classification: Likely benign. Last evaluated: 2024-11-18. Review status: criteria provided, single submitter. Criteria: ACMG Guidelines, 2015. Collection method: clinical testing. Allele origin: germline.

CeGaT Center for Human Genetics Tuebingen
Classification: Likely benign. Last evaluated: 2023-04-01. Review status: criteria provided, single submitter. Criteria: CeGaT Center For Human Genetics Tuebingen Variant Classification Criteria Version 2. Collection method: clinical testing. Allele origin: germline. Affected: yes. Observed: 4 variant alleles.
Comment: ASXL3: BP4, BS2

Ambry Genetics
Classification: Benign for Inborn genetic diseases. Last evaluated: 2021-12-08. Review status: criteria provided, single submitter. Criteria: Ambry Variant Classification Scheme 2023. Collection method: clinical testing. Allele origin: germline.

GeneDx
Classification: Benign. Last evaluated: 2020-02-24. Review status: criteria provided, single submitter. Criteria: GeneDx Variant Classification Process June 2021. Collection method: clinical testing. Allele origin: germline. Affected: yes.

Breakthrough Genomics
Classification: Benign. Review status: criteria provided, single submitter. Criteria: ACMG Guidelines, 2015. Collection method: not provided. Allele origin: germline. Inheritance: Autosomal dominant inheritance. Affected: yes.

PreventionGenetics, part of Exact Sciences
Classification: Likely benign for ASXL3-related condition. Last evaluated: 2020-10-21. Review status: no assertion criteria provided. Collection method: clinical testing. Allele origin: germline. Not counted in ClinVar's aggregate classification.
Comment: This variant is classified as likely benign based on ACMG/AMP sequence variant interpretation guidelines (Richards et al. 2015 PMID: 25741868, with internal and published modifications).

NM_030632.3(ASXL3):c.2537A>G (p.Lys846Arg)

Gene: ASXL3 (ASXL transcriptional regulator 3; plus strand). Cytogenetic location: 18q12.1.
Variant type: single nucleotide variant.
Coding change: c.2537A>G on transcript NM_030632.3 (MANE Select); coding-DNA position 2537, A replaced by G.
Protein change: p.Lys846Arg; replaces lysine 846 with arginine.
Molecular consequence: missense variant.
Genome position (GRCh38, 1-based): chr18:33,739,941, A>G. VCF-style: chr18-33739941-A-G. GRCh37 (hg19) VCF-style: chr18-31319905-A-G.
Other names: c.2537A>G (NM_030632.2); short protein forms K846R.
Identifiers: ClinVar variation 1286293 (VCV001286293.30), dbSNP rs61729759, ClinGen allele CA8933936.
Genomic context (GRCh38, chr18:33,739,941, plus strand): 5'-AAGATTTGCACAATAAGACCCTGAGTCAGCAAACCTGTAAATCACATGTTGACACTGAGA[A>G]GCCCTACCCTGCTTCAATTCCAGAACTTGCTTCTACTGAAATGATAAAAGTTAAAAATCA-3'
Protein context (NP_085135.1, residues 836-856): QTCKSHVDTE[Lys846Arg]PYPASIPELA